The following is an entry in ClinVar:

ClinVar aggregate classification (germline): Conflicting classifications of pathogenicity. Review status: criteria provided, conflicting classifications (1 of 4 stars). 11 submissions from 11 submitters: Uncertain significance (7); Likely benign (4). Last evaluated 2026-03-09.

Conditions:
CDH1-related disorder. Also called: CDH1-related condition.
Hereditary cancer-predisposing syndrome. Also called: Tumor predisposition; Neoplastic Syndromes, Hereditary; Hereditary neoplastic syndrome; Hereditary Cancer Syndrome. Identifiers: Orphanet 140162, MedGen C0027672, MeSH D009386, MONDO:0015356.
Hereditary diffuse gastric adenocarcinoma (HDGC). Also called: DIFFUSE GASTRIC AND LOBULAR BREAST CANCER SYNDROME. Identifiers: Orphanet 26106, MedGen C1708349, MONDO:0007648, OMIM 137215.
Familial cancer of breast. Also called: BREAST CANCER, FAMILIAL; Hereditary breast cancer; hereditary breast carcinoma. Identifiers: Orphanet 227535, MedGen C0346153, MONDO:0016419, OMIM 114480. Disease mechanism: loss of function.

Allele frequency attached by ClinVar (database versions not stated): ExAC 0.00001; gnomAD exomes 0.00001 and 0.00002; gnomAD 0.00007; TOPMed 0.00009.
gnomAD v4.1: 44 of 1,613,926 alleles (0.0027%); highest among the groups gnomAD compares: Admixed American, 0.017%; no homozygotes.

Submissions (11):

PreventionGenetics, part of Exact Sciences
Classification: Likely benign for CDH1-related condition. Last evaluated: 2026-03-09. Review status: criteria provided, single submitter. Criteria: ACMG Guidelines, 2015. Collection method: clinical testing. Allele origin: germline.
Comment: This variant is classified as likely benign based on ACMG/AMP sequence variant interpretation guidelines (Richards et al. 2015 PMID: 25741868, with internal and published modifications).

Labcorp Genetics (formerly Invitae), Labcorp
Classification: Likely benign for Hereditary diffuse gastric adenocarcinoma. Last evaluated: 2026-01-15. Review status: criteria provided, single submitter. Criteria: Invitae Variant Classification Sherloc (09022015). Collection method: clinical testing. Allele origin: germline.

Quest Diagnostics Nichols Institute San Juan Capistrano
Classification: Uncertain significance. Last evaluated: 2025-09-12. Review status: criteria provided, single submitter. Criteria: Quest Diagnostics criteria. Collection method: clinical testing. Allele origin: unknown.
Comment: The CDH1 c.854C>T (p.Thr285Ile) variant has been reported in the published literature in individuals with a personal and/or family history of breast and/or ovarian cancer (PMID: 36436516 (2023), 34359559 (2021), 33471991 (2021), see also LOVD, as well as in reportedly unaffected individuals (PMID: 33471991 (2021), see also LOVD). The frequency of this variant in the general population (Genome Aggregation Database) is uninformative in the assessment of its pathogenicity. Analysis of this variant using bioinformatics tools for the prediction of the effect of amino acid changes on protein structure and function yielded conflicting predictions that this variant is benign or damaging. Based on the available information, we are unable to determine the clinical significance of this variant.

Color Diagnostics, LLC DBA Color Health
Classification: Uncertain significance for Hereditary cancer-predisposing syndrome. Last evaluated: 2025-01-13. Review status: criteria provided, single submitter. Criteria: ACMG Guidelines, 2015. Collection method: clinical testing. Allele origin: germline.
Comment: This missense variant replaces threonine with isoleucine at codon 285 of the CDH1 protein. To our knowledge, functional studies have not been reported for this variant. In a large breast cancer case-control study, this variant has been reported in 3/60463 cases and 2/53459 controls (PMID: 33471991). It has also been reported in an individual with a family history of breast cancer (PMID: 36436516). This variant has been identified in 44/1613926 chromosomes in the general population by the Genome Aggregation Database (gnomAD). The available evidence is insufficient to determine the role of this variant in disease conclusively. Therefore, this variant is classified as a Variant of Uncertain Significance.

Myriad Genetics, Inc.
Classification: Likely benign for Hereditary diffuse gastric adenocarcinoma. Last evaluated: 2024-09-16. Review status: criteria provided, single submitter. Criteria: Myriad Autosomal Dominant, Autosomal Recessive and X-Linked Classification Criteria (2023). Collection method: clinical testing. Allele origin: unknown.
Comment: This variant is considered likely benign. This variant been observed in trans with a known pathogenic variant in one or more individuals. Compound heterozygosity for pathogenic variants in this gene is generally assumed to result in embryonic lethality.

Baylor Genetics
Classification: Uncertain significance for Familial cancer of breast. Last evaluated: 2023-12-14. Review status: criteria provided, single submitter. Criteria: ACMG Guidelines, 2015. Collection method: clinical testing. Allele origin: unknown.

GeneDx
Classification: Uncertain significance. Last evaluated: 2023-09-11. Review status: criteria provided, single submitter. Criteria: GeneDx Variant Classification Process June 2021. Collection method: clinical testing. Allele origin: germline. Affected: yes.
Comment: Not observed at significant frequency in large population cohorts (gnomAD); In silico analysis supports that this missense variant has a deleterious effect on protein structure/function; Observed in individuals with a personal or family history of breast cancer and also in unaffected controls (Dorling et al., 2021; Garcia-Pelaez et al., 2023); This variant is associated with the following publications: (PMID: 34359559, 15235021, 22850631, 33471991, 36436516)

European Reference Network on Genetic Tumour Risk Syndromes (ERN-GENTURIS), i3s - Instituto de Investigação e Inovação em Saúde, University of Porto
Classification: Uncertain significance for Hereditary diffuse gastric adenocarcinoma. Last evaluated: 2022-08-01. Review status: criteria provided, single submitter. Criteria: Lee et al. (Hum Mutat. 2018). Collection method: clinical testing. Allele origin: germline. Inheritance: Autosomal dominant inheritance. Affected: no. Study: ERN GENTURIS.
Comment: PM2 (PMID: 30311375)

Ambry Genetics
Classification: Likely benign for Hereditary cancer-predisposing syndrome. Last evaluated: 2021-12-10. Review status: criteria provided, single submitter. Criteria: Ambry Variant Classification Scheme 2023. Collection method: clinical testing. Allele origin: germline.

Sema4
Classification: Uncertain significance for Hereditary cancer-predisposing syndrome. Last evaluated: 2021-08-11. Review status: criteria provided, single submitter. Criteria: Sema4 Curation Guidelines. Collection method: curation. Allele origin: germline.
Comment: The CDH1 c.854C>T (p.T285I) variant has been reported in several individuals with a personal and/or family history of breast or ovarian cancer (PMID: 33471991, 34359559), and was also identified in healthy controls (PMID: 33471991). It was observed in 2/113748 chromosomes of the Non-Finnish European subpopulation in the large and broad cohorts of the Genome Aggregation Database (PMID: 32461654). The variant has been reported in ClinVar (Variation ID 141288). Functional studies have not been performed, and in silico predictions of the variant's effect on protein function are inconclusive. The evidence is insufficient to meet ACMG/AMP criteria for classifying the variant as benign or pathogenic. Thus, the clinical significance of this variant is currently uncertain.

Mendelics
Classification: Uncertain significance for Hereditary diffuse gastric adenocarcinoma. Last evaluated: 2019-05-28. Review status: criteria provided, single submitter. Criteria: Mendelics Assertion Criteria 2017. Collection method: clinical testing. Allele origin: unknown.

Literature cited by the submitters: PubMed 36436516 (cited by 3 submitters); PubMed 33471991 (cited by 3 submitters); PubMed 34359559 (cited by Quest Diagnostics Nichols Institute San Juan Capistrano and Sema4).

NM_004360.5(CDH1):c.854C>T (p.Thr285Ile)

Gene: CDH1 (cadherin 1; plus strand). Cytogenetic location: 16q22.1.
Variant type: single nucleotide variant.
Coding change: c.854C>T on transcript NM_004360.5 (MANE Select); coding-DNA position 854, C replaced by T.
Protein change: p.Thr285Ile; replaces threonine 285 with isoleucine.
Molecular consequence: missense variant. On other transcripts: 5 prime UTR variant (2).
Genome position (GRCh38, 1-based): chr16:68,811,705, C>T. VCF-style: chr16-68811705-C-T. GRCh37 (hg19) VCF-style: chr16-68845608-C-T.
Other names: c.854C>T (LRG_301t1); c.854C>T, p.Thr285Ile (NM_001317184.2); c.-762C>T (NM_001317185.2); c.-966C>T (NM_001317186.2); short protein forms T285I.
Identifiers: ClinVar variation 141288 (VCV000141288.36), dbSNP rs587781634, ClinGen allele CA165006.